The following is an entry in ClinVar:

ClinVar aggregate classification (germline): Uncertain significance. Review status: criteria provided, multiple submitters, no conflicts (2 of 4 stars). 3 submissions from 3 submitters: Uncertain significance (3). Last evaluated 2025-08-04.

Conditions:
Inborn genetic diseases. Identifiers: MedGen C0950123, MeSH D030342.
Diffuse cerebral and cerebellar atrophy - intractable seizures - progressive microcephaly syndrome. Also called: Microcephaly, progressive, with seizures and cerebral and cerebellar atrophy. Identifiers: Orphanet 404437, MedGen C4014239, MONDO:0014335, OMIM 615760.

Allele frequency attached by ClinVar (database versions not stated): ExAC 0.00004; gnomAD exomes 0.00005 and 0.00009; ESP Exome Variant Server 0.00008; TOPMed 0.00008; gnomAD 0.00009.
gnomAD v4.1: 144 of 1,614,032 alleles (0.0089%); highest among the groups gnomAD compares: Non-Finnish European, 0.011%; no homozygotes.

Submissions (3):

Ambry Genetics
Classification: Uncertain significance for Inborn genetic diseases. Last evaluated: 2025-08-04. Review status: criteria provided, single submitter. Criteria: Ambry Variant Classification Scheme 2023. Collection method: clinical testing. Allele origin: germline.

GeneDx
Classification: Uncertain significance. Last evaluated: 2025-03-30. Review status: criteria provided, single submitter. Criteria: GeneDx Variant Classification Process June 2021. Collection method: clinical testing. Allele origin: germline. Affected: yes.
Comment: Has not been previously published as pathogenic or benign to our knowledge; In silico analysis supports that this missense variant has a deleterious effect on protein structure/function; This variant is associated with the following publications: (PMID: 25471517)

Labcorp Genetics (formerly Invitae), Labcorp
Classification: Uncertain significance for Diffuse cerebral and cerebellar atrophy - intractable seizures - progressive microcephaly syndrome. Last evaluated: 2022-07-12. Review status: criteria provided, single submitter. Criteria: Invitae Variant Classification Sherloc (09022015). Collection method: clinical testing. Allele origin: germline.
Comment: This sequence change replaces proline, which is neutral and non-polar, with serine, which is neutral and polar, at codon 529 of the QARS protein (p.Pro529Ser). This variant is present in population databases (rs373719958, gnomAD 0.02%). This variant has not been reported in the literature in individuals affected with QARS-related conditions. ClinVar contains an entry for this variant (Variation ID: 569672). Algorithms developed to predict the effect of missense changes on protein structure and function (SIFT, PolyPhen-2, Align-GVGD) all suggest that this variant is likely to be tolerated. In summary, the available evidence is currently insufficient to determine the role of this variant in disease. Therefore, it has been classified as a Variant of Uncertain Significance.

NM_005051.3(QARS1):c.1585C>T (p.Pro529Ser)

Gene: QARS1 (glutaminyl-tRNA synthetase 1; minus strand). Cytogenetic location: 3p21.31.
Variant type: single nucleotide variant.
Coding change: c.1585C>T on transcript NM_005051.3 (MANE Select); coding-DNA position 1585, C replaced by T.
Protein change: p.Pro529Ser; replaces proline 529 with serine.
Molecular consequence: missense variant. On other transcripts: non-coding transcript variant (1).
Genome position (GRCh38, 1-based): chr3:49,099,373, G>A on the plus strand (C>T on the coding strand, the complement: QARS1 is on the minus strand). VCF-style: chr3-49099373-G-A. GRCh37 (hg19) VCF-style: chr3-49136806-G-A.
Other names: c.1552C>T, p.Pro518Ser (NM_001272073.2); c.1585C>T (NM_005051.1); short protein forms P529S, P518S.
Identifiers: ClinVar variation 569672 (VCV000569672.9), dbSNP rs373719958, ClinGen allele CA2391700.
Genomic context (GRCh38, chr3:49,099,373, plus strand): 5'-CAATGTATCTACCCAACCTGCTGGGCTATACCCGGGCACAGAAGTTGTTGATGGCCTCAG[G>A]TGGGAAGCCCCGCCGTCGCAGGGCCGTGAGTGTAAAGAGCCGTGGGTCATCCCAGTCCCT-3'
Protein context (NP_005042.1, residues 519-539): LTALRRRGFP[Pro529Ser]EAINNFCARV